The following is an entry in ClinVar:

NM_007347.5(AP4E1):c.2215del (p.Glu739fs)

Gene: AP4E1 (adaptor related protein complex 4 subunit epsilon 1; plus strand). Cytogenetic location: 15q21.2.
Variant type: Deletion.
Coding change: c.2215del on transcript NM_007347.5 (MANE Select); coding-DNA position 2215, one base deleted (G; older notation c.2215delG).
Protein change: p.Glu739fs; shifts the reading frame from glutamic acid 739.
Molecular consequence: frameshift variant.
Genome position (GRCh38, 1-based): chr15:50,993,494, G deleted; the last of 2 consecutive G bases (chr15:50,993,493-50,993,494); deleting either gives the same sequence. VCF-style (leftmost placement, unchanged base first): chr15-50993492-TG-T. GRCh37 (hg19) VCF-style: chr15-51285689-TG-T.
Other names: c.1990del, p.Glu664fs (NM_001252127.2); short protein forms E664fs, E739fs.
Identifiers: ClinVar variation 3697033 (VCV003697033.2).

ClinVar aggregate classification (germline): Pathogenic (1 of 4 stars; one submission).

Conditions:
Spastic paraplegia. Identifiers: MedGen C0037772, HP:0001258.

Submission:

Labcorp Genetics (formerly Invitae), Labcorp
Classification: Pathogenic for Spastic paraplegia. Last evaluated: 2025-03-16. Review status: criteria provided, single submitter. Criteria: Invitae Variant Classification Sherloc (09022015). Collection method: clinical testing. Allele origin: germline.
Comment: This sequence change creates a premature translational stop signal (p.Glu739Argfs*3) in the AP4E1 gene. It is expected to result in an absent or disrupted protein product. Loss-of-function variants in AP4E1 are known to be pathogenic (PMID: 21620353, 21937992, 23472171). This variant is present in population databases (rs775279173, gnomAD 0.002%). This variant has not been reported in the literature in individuals affected with AP4E1-related conditions. For these reasons, this variant has been classified as Pathogenic.

Literature cited by the submitters: PubMed 21620353; PubMed 21937992; PubMed 23472171.